The following is an entry in ClinVar:

NM_024570.4(RNASEH2B):c.485A>C (p.Lys162Thr)

Gene: RNASEH2B (ribonuclease H2 subunit B; plus strand). Cytogenetic location: 13q14.3.
Variant type: single nucleotide variant.
Coding change: c.485A>C on transcript NM_024570.4 (MANE Select); coding-DNA position 485, A replaced by C.
Protein change: p.Lys162Thr; replaces lysine 162 with threonine.
Molecular consequence: missense variant.
Genome position (GRCh38, 1-based): chr13:50,943,369, A>C. VCF-style: chr13-50943369-A-C. GRCh37 (hg19) VCF-style: chr13-51517505-A-C.
Other names: c.485A>C, p.Lys162Thr (NM_001142279.2, NM_001411023.1); short protein forms K162T.
Identifiers: ClinVar variation 5004872 (VCV005004872.1).

ClinVar aggregate classification (germline): Uncertain significance (1 of 4 stars; one submission).

Conditions:
Aicardi-Goutieres syndrome 2. Identifiers: Orphanet 51, MedGen C3489724, MONDO:0012429, OMIM 610181.

Submission:

Myriad Genetics, Inc.
Classification: Uncertain significance for Aicardi-Goutieres syndrome 2. Last evaluated: 2026-08-28. Review status: criteria provided, single submitter. Criteria: Myriad Autosomal Dominant, Autosomal Recessive and X-Linked Classification Criteria (2023). Collection method: clinical testing. Allele origin: unknown.
Comment: NM_024570.3(RNASEH2B):c.485A>C(K162T) is a missense variant classified as a variant of uncertain significance in the context of Aicardi-Goutires syndrome, RNASEH2B-related. K162T has been observed in cases with relevant disease (PMID: 35012964, 16845400, 37171742). Relevant functional assessments of this variant are not available in the literature. K162T has not been observed in referenced population frequency databases. In summary, there is insufficient evidence to classify NM_024570.3(RNASEH2B):c.485A>C(K162T) as pathogenic or benign. Please note: this variant was assessed in the context of healthy population screening.

Literature cited by the submitters: PubMed 16845400; PubMed 35012964; PubMed 37171742.